The following is an entry in ClinVar:

ClinVar aggregate classification (germline): Pathogenic (1 of 4 stars; one submission).

Conditions:
Birt-Hogg-Dube syndrome. Also called: Birt Hogg Dubé syndrome. Identifiers: Orphanet 122, MedGen C0346010, MONDO:0800444.

Submission:

Labcorp Genetics (formerly Invitae), Labcorp
Classification: Pathogenic for Birt-Hogg-Dube syndrome. Last evaluated: 2017-10-31. Review status: criteria provided, single submitter. Criteria: Invitae Variant Classification Sherloc (09022015). Collection method: clinical testing. Allele origin: germline.
Comment: For these reasons, this variant has been classified as Pathogenic. Loss-of-function variants in FLCN are known to be pathogenic (PMID: 15852235). This variant has been reported in several individuals affected with Birt-Hogg-Dubé syndrome (PMID: 25519458, 28869776). This variant is not present in population databases (ExAC no frequency). This sequence change creates a premature translational stop signal (p.Glu440Argfs*28) in the FLCN gene. It is expected to result in an absent or disrupted protein product.

Literature cited by the submitters: PubMed 15852235; PubMed 25519458; PubMed 28869776.

NM_144997.7(FLCN):c.1318del (p.Glu440fs)

Gene: FLCN (folliculin; minus strand). Cytogenetic location: 17p11.2.
Variant type: Deletion.
Coding change: c.1318del on transcript NM_144997.7 (MANE Select); coding-DNA position 1318, one base deleted (G; older notation c.1318delG).
Protein change: p.Glu440fs; shifts the reading frame from glutamic acid 440.
Molecular consequence: frameshift variant.
Genome position (GRCh38, 1-based): chr17:17,215,299, C deleted on the plus strand (G on the coding strand, the reverse complement: FLCN is on the minus strand); the first of 2 consecutive C bases (chr17:17,215,299-17,215,300); deleting either gives the same sequence. VCF-style (leftmost placement, unchanged base first): chr17-17215298-TC-T. GRCh37 (hg19) VCF-style: chr17-17118612-TC-T.
Other names: c.1318del (LRG_325t1); c.1372del, p.Glu458fs (NM_001353229.2); c.1318del, p.Glu440fs (NM_001353230.2, NM_001353231.2); short protein forms E440fs, E458fs.
Identifiers: ClinVar variation 529989 (VCV000529989.6), dbSNP rs1555607273, ClinGen allele CA658798734.